The following is an entry in ClinVar:

ClinVar aggregate classification (germline): Uncertain significance. Review status: criteria provided, multiple submitters, no conflicts (2 of 4 stars). 2 submissions from 2 submitters: Uncertain significance (2). Last evaluated 2024-09-04.

Conditions:
Inborn genetic diseases. Identifiers: MedGen C0950123, MeSH D030342.

Allele frequency attached by ClinVar (database versions not stated): ExAC 0.00001; gnomAD 0.00001; gnomAD exomes 0.00001; TOPMed 0.00005; ESP Exome Variant Server 0.00008.

Submissions (2):

Ambry Genetics
Classification: Uncertain significance for Inborn genetic diseases. Last evaluated: 2024-09-04. Review status: criteria provided, single submitter. Criteria: Ambry Variant Classification Scheme 2023. Collection method: clinical testing. Allele origin: germline.

Labcorp Genetics (formerly Invitae), Labcorp
Classification: Uncertain significance. Last evaluated: 2024-03-04. Review status: criteria provided, single submitter. Criteria: Invitae Variant Classification Sherloc (09022015). Collection method: clinical testing. Allele origin: germline.
Comment: This sequence change replaces serine, which is neutral and polar, with threonine, which is neutral and polar, at codon 323 of the USH1G protein (p.Ser323Thr). This variant is present in population databases (rs147721296, gnomAD 0.01%). This variant has not been reported in the literature in individuals affected with USH1G-related conditions. ClinVar contains an entry for this variant (Variation ID: 1907317). Advanced modeling of protein sequence and biophysical properties (such as structural, functional, and spatial information, amino acid conservation, physicochemical variation, residue mobility, and thermodynamic stability) performed at Invitae indicates that this missense variant is not expected to disrupt USH1G protein function with a negative predictive value of 80%. In summary, the available evidence is currently insufficient to determine the role of this variant in disease. Therefore, it has been classified as a Variant of Uncertain Significance.

NM_173477.5(USH1G):c.968G>C (p.Ser323Thr)

Gene: USH1G (USH1 protein network component sans; minus strand). Cytogenetic location: 17q25.1.
Variant type: single nucleotide variant.
Coding change: c.968G>C on transcript NM_173477.5 (MANE Select); coding-DNA position 968, G replaced by C.
Protein change: p.Ser323Thr; replaces serine 323 with threonine.
Molecular consequence: missense variant.
Genome position (GRCh38, 1-based): chr17:74,919,868, C>G on the plus strand (G>C on the coding strand, the complement: USH1G is on the minus strand). VCF-style: chr17-74919868-C-G. GRCh37 (hg19) VCF-style: chr17-72915963-C-G.
Other names: c.659G>C, p.Ser220Thr (NM_001282489.3); c.968G>C (NM_173477.2); short protein forms S220T, S323T.
Identifiers: ClinVar variation 1907317 (VCV001907317.6), dbSNP rs147721296, ClinGen allele CA8753959.
Genomic context (GRCh38, chr17:74,919,868, plus strand): 5'-CGCGGCGCTCCCACCCCATCCAGACCCCCATCCTCGCGGCCCAGTCCGTGCAGCCCACTG[C>G]TCAAGTAATTTCTGCGGAACACCATGGTGCCCAGGCCGGGGCGGGTAAACAGGGAGTCGT-3'
Protein context (NP_775748.2, residues 313-333): GTMVFRRNYL[Ser323Thr]SGLHGLGRED